The following is an entry in ClinVar:

NM_006914.4(RORB):c.1319C>T (p.Thr440Ile)

Genes: RORB (RAR related orphan receptor B; plus strand), LOC124310566 (Sharpr-MPRA regulatory region 9792; plus strand). Cytogenetic location: 9q21.13.
Variant type: single nucleotide variant.
Coding change: c.1319C>T on transcript NM_006914.4 (MANE Select); coding-DNA position 1319, C replaced by T.
Protein change: p.Thr440Ile; replaces threonine 440 with isoleucine.
Molecular consequence: missense variant.
Genome position (GRCh38, 1-based): chr9:74,685,557, C>T. VCF-style: chr9-74685557-C-T. GRCh37 (hg19) VCF-style: chr9-77300473-C-T.
Other names: c.1352C>T, p.Thr451Ile (NM_001365023.1); short protein forms T451I, T440I.
Identifiers: ClinVar variation 1404933 (VCV001404933.8), dbSNP rs1382167986, ClinGen allele CA373772634.

ClinVar aggregate classification (germline): Uncertain significance (1 of 4 stars; one submission).

Allele frequency attached by ClinVar (database versions not stated): gnomAD exomes below 0.00001; TOPMed 0.00001.
gnomAD v4.1: 1 of 1,612,878 alleles (0.000062%); highest among the groups gnomAD compares: Admixed American, 0.0017%; no homozygotes.

Submission:

Labcorp Genetics (formerly Invitae), Labcorp
Classification: Uncertain significance. Last evaluated: 2024-01-15. Review status: criteria provided, single submitter. Criteria: Invitae Variant Classification Sherloc (09022015). Collection method: clinical testing. Allele origin: germline.
Comment: This sequence change replaces threonine, which is neutral and polar, with isoleucine, which is neutral and non-polar, at codon 440 of the RORB protein (p.Thr440Ile). This variant is not present in population databases (gnomAD no frequency). This variant has not been reported in the literature in individuals affected with RORB-related conditions. ClinVar contains an entry for this variant (Variation ID: 1404933). An algorithm developed to predict the effect of missense changes on protein structure and function (PolyPhen-2) suggests that this variant is likely to be tolerated. In summary, the available evidence is currently insufficient to determine the role of this variant in disease. Therefore, it has been classified as a Variant of Uncertain Significance.